The following is an entry in ClinVar:

ClinVar aggregate classification (germline): Likely pathogenic (1 of 4 stars; one submission).

Conditions:
Hereditary factor IX deficiency disease (HEMB). Also called: F9 DEFICIENCY; FACTOR IX DEFICIENCY; PLASMA THROMBOPLASTIN COMPONENT DEFICIENCY; Hemophilia B; Christmas Disease. Identifiers: Orphanet 98879, MedGen C0008533, MeSH D002836, MONDO:0010604, OMIM 306900.

Submission:

3billion
Classification: Likely pathogenic for Hereditary factor IX deficiency disease. Last evaluated: 2023-02-23. Review status: criteria provided, single submitter. Criteria: ACMG Guidelines, 2015. Collection method: clinical testing. Allele origin: unknown. Affected: yes.
Comment: The variant is not observed in the gnomAD v2.1.1 dataset. The variant is located in a mutational hot spot and/or well-established functional domain in which established pathogenic variants have been reported. Missense changes are a common disease-causing mechanism. In silico tool predictions suggest damaging effect of the variant on gene or gene product (REVEL: 0.96; 3Cnet: 0.80). Same nucleotide change resulting in same amino acid change has been previously reported to be associated with F9 related disorder (PMID: 15921378). Different missense changes at the same codon (p.Cys335Phe, p.Cys335Trp) have been reported to be associated with F9 related disorder (ClinVar ID: VCV000973811 / PMID: 32935414, 7937052). Therefore, this variant is classified as Likely pathogenic according to the recommendation of ACMG/AMP guideline.

Literature cited by the submitters: PubMed 15921378; PubMed 7937052; PubMed 32935414.

NM_000133.4(F9):c.1004G>A (p.Cys335Tyr)

Gene: F9 (coagulation factor IX; plus strand). Cytogenetic location: Xq27.1.
Variant type: single nucleotide variant.
Coding change: c.1004G>A on transcript NM_000133.4 (MANE Select); coding-DNA position 1004, G replaced by A.
Protein change: p.Cys335Tyr; replaces cysteine 335 with tyrosine.
Molecular consequence: missense variant.
Genome position (GRCh38, 1-based): chrX:139,561,689, G>A. VCF-style: chrX-139561689-G-A. GRCh37 (hg19) VCF-style: chrX-138643848-G-A.
Other names: c.890G>A, p.Cys297Tyr (NM_001313913.2); short protein forms C297Y, C335Y.
Identifiers: ClinVar variation 2444124 (VCV002444124.1), dbSNP rs2520844630, ClinGen allele CA414445316.